The following is an entry in ClinVar:

ClinVar aggregate classification (germline): Conflicting classifications of pathogenicity. Review status: criteria provided, conflicting classifications (1 of 4 stars). 6 submissions from 6 submitters: Uncertain significance (3); Likely benign (3). Last evaluated 2026-07-15.

Conditions:
Early-infantile DEE. Also called: Early infantile epileptic encephalopathy; Ohtahara syndrome; Early infantile epileptic encephalopathy with suppression bursts. Identifiers: Orphanet 1934, MedGen C0393706, MONDO:0800491.
Inborn genetic diseases. Identifiers: MedGen C0950123, MeSH D030342.
KCNQ2-Related Disorders. Also called: KCNQ2-related condition; KCNQ2-related disorder. Identifiers: MedGen CN169299.

Allele frequency attached by ClinVar (database versions not stated): gnomAD 0.00013; TOPMed 0.00010.
gnomAD v4.1: 135 of 1,608,280 alleles (0.0084%); highest among the groups gnomAD compares: Non-Finnish European, 0.011%; no homozygotes.

Submissions (12):

PreventionGenetics, part of Exact Sciences
Classification: Likely benign for KCNQ2-related condition. Last evaluated: 2026-07-15. Review status: criteria provided, single submitter. Criteria: ACMG Guidelines, 2015. Collection method: clinical testing. Allele origin: germline.
Comment: This variant is classified as likely benign based on ACMG/AMP sequence variant interpretation guidelines (Richards et al. 2015 PMID: 25741868, with internal and published modifications).

Labcorp Genetics (formerly Invitae), Labcorp
Classification: Uncertain significance for Early-infantile DEE. Last evaluated: 2025-12-08. Review status: criteria provided, single submitter. Criteria: Invitae Variant Classification Sherloc (09022015). Collection method: clinical testing. Allele origin: germline.
Comment: This sequence change replaces threonine, which is neutral and polar, with serine, which is neutral and polar, at codon 605 of the KCNQ2 protein (p.Thr605Ser). This variant is present in population databases (rs751334184, gnomAD 0.01%). This variant has not been reported in the literature in individuals affected with KCNQ2-related conditions. ClinVar contains an entry for this variant (Variation ID: 205924). An algorithm developed to predict the effect of missense changes on protein structure and function outputs the following: PolyPhen-2: "Benign". The serine amino acid residue is found in multiple mammalian species, which suggests that this missense change does not adversely affect protein function. In summary, the available evidence is currently insufficient to determine the role of this variant in disease. Therefore, it has been classified as a Variant of Uncertain Significance.

ARUP Laboratories, Molecular Genetics and Genomics, ARUP Laboratories
Classification: Uncertain significance. Last evaluated: 2024-10-11. Review status: criteria provided, single submitter. Criteria: ARUP Molecular Germline Variant Investigation Process 2024. Collection method: clinical testing. Allele origin: germline.
Comment: The KCNQ2 c.1814C>G;p.Thr605Ser variant (rs751334184), to our knowledge, is not reported in the medical literature but is reported in ClinVar (Variation ID: 205924). This variant is found predominantly in the non-Finnish European population with an allele frequency of 0.01% (13/122172 alleles) in the Genome Aggregation Database (v2.1.1). Computational analyses are uncertain whether this variant is neutral or deleterious (REVEL: 0.31). Due to limited information, the clinical significance of this variant is uncertain at this time.

Ambry Genetics
Classification: Likely benign for Inborn genetic diseases. Last evaluated: 2023-12-28. Review status: criteria provided, single submitter. Criteria: Ambry Variant Classification Scheme 2023. Collection method: clinical testing. Allele origin: germline.

GeneDx
Classification: Likely benign. Last evaluated: 2020-09-02. Review status: criteria provided, single submitter. Criteria: GeneDx Variant Classification Process June 2021. Collection method: clinical testing. Allele origin: germline. Affected: yes.

Eurofins Ntd Llc (ga)
Classification: Uncertain significance. Last evaluated: 2017-11-28. Review status: criteria provided, single submitter. Criteria: EGL Classification Definitions 2015. Collection method: clinical testing. Allele origin: germline. Observed: 1 variant allele, 1 heterozygote.

Channelopathy-Associated Epilepsy Research Center
No classification provided (evidence only). Condition: Complex neurodevelopmental disorder. Review status: no classification provided. Collection method: literature only. Allele origin: not applicable. Functional consequence: Mild decrease in peak current, Normal rate of activation, Moderate depolarizing shift of voltage dependence of activation. Not counted in ClinVar's aggregate classification.
ClinVar note: "not provided" was previously submitted as the classification for the variant. However, the classification appeared to be based only on an observation of functional data so it was converted to no classification on 2025-07-30.

Channelopathy-Associated Epilepsy Research Center
No classification provided (evidence only). Review status: no classification provided. Collection method: in vitro. Allele origin: not applicable. Functional consequence: Normal peak current. Not counted in ClinVar's aggregate classification.

Channelopathy-Associated Epilepsy Research Center
No classification provided (evidence only). Review status: no classification provided. Collection method: in vitro. Allele origin: not applicable. Functional consequence: Normal peak current. Not counted in ClinVar's aggregate classification.

Channelopathy-Associated Epilepsy Research Center
No classification provided (evidence only). Review status: no classification provided. Collection method: in vitro. Allele origin: not applicable. Functional consequence: Normal voltage dependence of activation. Not counted in ClinVar's aggregate classification.

Channelopathy-Associated Epilepsy Research Center
No classification provided (evidence only). Review status: no classification provided. Collection method: in vitro. Allele origin: not applicable. Functional consequence: Normal slope of activation. Not counted in ClinVar's aggregate classification.

Channelopathy-Associated Epilepsy Research Center
No classification provided (evidence only). Review status: no classification provided. Collection method: in vitro. Allele origin: not applicable. Functional consequence: Normal rate of activation. Not counted in ClinVar's aggregate classification.

Literature cited by the submitters: PubMed 35104249 (cited by Channelopathy-Associated Epilepsy Research Center).

NM_172107.4(KCNQ2):c.1814C>G (p.Thr605Ser)

Gene: KCNQ2 (potassium voltage-gated channel subfamily Q member 2; minus strand). Cytogenetic location: 20q13.33.
Variant type: single nucleotide variant.
Coding change: c.1814C>G on transcript NM_172107.4 (MANE Select); coding-DNA position 1814, C replaced by G.
Protein change: p.Thr605Ser; replaces threonine 605 with serine.
Molecular consequence: missense variant.
Genome position (GRCh38, 1-based): chr20:63,408,486, G>C on the plus strand (C>G on the coding strand, the complement: KCNQ2 is on the minus strand). VCF-style: chr20-63408486-G-C. GRCh37 (hg19) VCF-style: chr20-62039839-G-C.
Other names: p.T605S:ACC>AGC; c.1868C>G, p.Thr623Ser (NM_001382235.1); c.1757C>G, p.Thr586Ser (NM_001439003.1); c.1727C>G, p.Thr576Ser (NM_001439004.1); c.1730C>G, p.Thr577Ser (NM_004518.6); c.1760C>G, p.Thr587Ser (NM_172106.3); c.1721C>G, p.Thr574Ser (NM_172108.5); c.1814C>G (NM_172107.3); short protein forms T605S, T574S, T577S, T587S, T623S, T576S, T586S.
Identifiers: ClinVar variation 205924 (VCV000205924.22), dbSNP rs751334184, ClinGen allele CA315504.